The following is an entry in ClinVar:

ClinVar aggregate classification (germline): Uncertain significance (1 of 4 stars; one submission).

Allele frequency attached by ClinVar (database versions not stated): TOPMed 0.00001.
gnomAD v4.1: 15 of 1,613,322 alleles (0.00093%); highest among the groups gnomAD compares: East Asian, 0.0022%; no homozygotes.

Submission:

Labcorp Genetics (formerly Invitae), Labcorp
Classification: Uncertain significance. Last evaluated: 2023-11-21. Review status: criteria provided, single submitter. Criteria: Invitae Variant Classification Sherloc (09022015). Collection method: clinical testing. Allele origin: germline.
Comment: This sequence change replaces glutamic acid, which is acidic and polar, with lysine, which is basic and polar, at codon 260 of the LZTS1 protein (p.Glu260Lys). This variant is present in population databases (rs767923160, gnomAD 0.006%). This variant has not been reported in the literature in individuals affected with LZTS1-related conditions. Advanced modeling of protein sequence and biophysical properties (such as structural, functional, and spatial information, amino acid conservation, physicochemical variation, residue mobility, and thermodynamic stability) performed at Invitae indicates that this missense variant is expected to disrupt LZTS1 protein function with a positive predictive value of 80%. In summary, the available evidence is currently insufficient to determine the role of this variant in disease. Therefore, it has been classified as a Variant of Uncertain Significance.

NM_021020.5(LZTS1):c.778G>A (p.Glu260Lys)

Gene: LZTS1 (leucine zipper tumor suppressor 1; minus strand). Cytogenetic location: 8p21.3.
Variant type: single nucleotide variant.
Coding change: c.778G>A on transcript NM_021020.5 (MANE Select); coding-DNA position 778, G replaced by A.
Protein change: p.Glu260Lys; replaces glutamic acid 260 with lysine.
Molecular consequence: missense variant.
Genome position (GRCh38, 1-based): chr8:20,253,153, C>T on the plus strand (G>A on the coding strand, the complement: LZTS1 is on the minus strand). VCF-style: chr8-20253153-C-T. GRCh37 (hg19) VCF-style: chr8-20110664-C-T.
Other names: c.778G>A, p.Glu260Lys (NM_001362884.2); short protein forms E260K.
Identifiers: ClinVar variation 3019178 (VCV003019178.3), dbSNP rs767923160, ClinGen allele CA4657446.